The following is an entry in ClinVar:

NM_000921.5(PDE3A):c.1182A>C (p.Arg394Ser)

Gene: PDE3A (phosphodiesterase 3A; plus strand). Cytogenetic location: 12p12.2.
Variant type: single nucleotide variant.
Coding change: c.1182A>C on transcript NM_000921.5 (MANE Select); coding-DNA position 1182, A replaced by C.
Protein change: p.Arg394Ser; replaces arginine 394 with serine.
Molecular consequence: missense variant.
Genome position (GRCh38, 1-based): chr12:20,613,613, A>C. VCF-style: chr12-20613613-A-C. GRCh37 (hg19) VCF-style: chr12-20766547-A-C.
Other names: c.216A>C, p.Arg72Ser (NM_001244683.2, NM_001378409.1); c.1182A>C, p.Arg394Ser (NM_001378407.1); c.219A>C, p.Arg73Ser (NM_001378408.1); short protein forms R394S, R72S, R73S.
Identifiers: ClinVar variation 2662137 (VCV002662137.2), dbSNP rs2497972952, ClinGen allele CA384071336.
Genomic context (GRCh38, chr12:20,613,613, plus strand): 5'-GAGAGCCGTGAGCAACTTGCTCAGCACACAGCTCACCTTCCAGGCCATTCACAAGCCCAG[A>C]GTGAATCCCGTCACTTCGCTCAGTGAAAACTATACCTGTTCTGACTCTGAAGAGAGCTCT-3'
Protein context (NP_000912.3, residues 384-404): QLTFQAIHKP[Arg394Ser]VNPVTSLSEN

ClinVar aggregate classification (germline): Uncertain significance (1 of 4 stars; one submission).

Submission:

GeneDx
Classification: Uncertain significance. Last evaluated: 2025-07-02. Review status: criteria provided, single submitter. Criteria: GeneDx Variant Classification Process June 2021. Collection method: clinical testing. Allele origin: germline.
Comment: Not observed at significant frequency in large population cohorts (gnomAD); In silico analysis supports that this missense variant has a deleterious effect on protein structure/function; Has not been previously published as pathogenic or benign to our knowledge